The following is an entry in ClinVar:

NM_000368.5(TSC1):c.2392-15C>G

Gene: TSC1 (TSC complex subunit 1; minus strand). Cytogenetic location: 9q34.13.
Variant type: single nucleotide variant.
Coding change: c.2392-15C>G on transcript NM_000368.5 (MANE Select); 15 bases into the intron before coding-DNA position 2392, C replaced by G.
Molecular consequence: intron variant.
Genome position (GRCh38, 1-based): chr9:132,901,714, G>C on the plus strand (C>G on the coding strand, the complement: TSC1 is on the minus strand). VCF-style: chr9-132901714-G-C. GRCh37 (hg19) VCF-style: chr9-135777101-G-C.
Other names: c.2029-15C>G (NM_001362177.2); c.2239-15C>G (NM_001162427.2); c.2389-15C>G (NM_001162426.2).
Identifiers: ClinVar variation 2043323 (VCV002043323.4), dbSNP rs748281997, ClinGen allele CA2580080139.
Genomic context (GRCh38, chr9:132,901,714, plus strand): 5'-CTATCCGCAGCTCCGCAATCATGTTCCTGCAGTCCTCCAGCTTCGTCTGCCCAAAGAGAC[G>C]TGGACATGAAGTTTGAGGAACACCAACAGGCCAGATCACAGGCCTACCTAGCCACCAGCC-3'

ClinVar aggregate classification (germline): Uncertain significance (1 of 4 stars; one submission).

Conditions:
Tuberous sclerosis 1 (TSC1). Identifiers: Orphanet 805, MedGen C1854465, MONDO:0008612, OMIM 191100.

Submission:

Labcorp Genetics (formerly Invitae), Labcorp
Classification: Uncertain significance for Tuberous sclerosis 1. Last evaluated: 2021-12-15. Review status: criteria provided, single submitter. Criteria: Invitae Variant Classification Sherloc (09022015). Collection method: clinical testing. Allele origin: germline.
Comment: This sequence change falls in intron 18 of the TSC1 gene. It does not directly change the encoded amino acid sequence of the TSC1 protein. This variant is not present in population databases (gnomAD no frequency). This variant has not been reported in the literature in individuals affected with TSC1-related conditions. Studies have shown that this variant is associated with altered splicing, but the impact on the resulting protein product is unknown (Invitae). In summary, the available evidence is currently insufficient to determine the role of this variant in disease. Therefore, it has been classified as a Variant of Uncertain Significance.